The following is an entry in ClinVar:

ClinVar aggregate classification (germline): Uncertain significance. Review status: criteria provided, multiple submitters, no conflicts (2 of 4 stars). 2 submissions from 2 submitters: Uncertain significance (2). Last evaluated 2026-01-16.

Conditions:
Pulmonary venoocclusive disease 1 (PVOD1). Also called: Pulmonary venoocclusive disease 1, autosomal dominant. Identifiers: Orphanet 31837, MedGen C3887658, MONDO:0020713, OMIM 265450.
Pulmonary hypertension, primary, 1 (PPH1). Also called: Pulmonary hypertension, familial primary, 1, with or without HHT. Identifiers: Orphanet 422, MedGen C4552070, MONDO:0024533, OMIM 178600.
Inborn genetic diseases. Identifiers: MedGen C0950123, MeSH D030342.

Submissions (2):

Ambry Genetics
Classification: Uncertain significance for Inborn genetic diseases. Last evaluated: 2026-01-16. Review status: criteria provided, single submitter. Criteria: Ambry Variant Classification Scheme 2023. Collection method: clinical testing. Allele origin: germline.
Comment: The p.K678R variant (also known as c.2033A>G), located in coding exon 12 of the BMPR2 gene, results from an A to G substitution at nucleotide position 2033. The lysine at codon 678 is replaced by arginine, an amino acid with highly similar properties. This amino acid position is conserved. In addition, the in silico prediction for this alteration is inconclusive. Based on the available evidence, the clinical significance of this variant remains unclear.

Fulgent Genetics
Classification: Uncertain significance for Pulmonary hypertension, primary, 1; Pulmonary venoocclusive disease 1. Last evaluated: 2024-01-02. Review status: criteria provided, single submitter. Criteria: ACMG Guidelines, 2015. Collection method: clinical testing. Allele origin: germline.

NM_001204.7(BMPR2):c.2033A>G (p.Lys678Arg)

Gene: BMPR2 (bone morphogenetic protein receptor type 2; plus strand). Cytogenetic location: 2q33.2.
Variant type: single nucleotide variant.
Coding change: c.2033A>G on transcript NM_001204.7 (MANE Select); coding-DNA position 2033, A replaced by G.
Protein change: p.Lys678Arg; replaces lysine 678 with arginine.
Molecular consequence: missense variant.
Genome position (GRCh38, 1-based): chr2:202,555,698, A>G. VCF-style: chr2-202555698-A-G. GRCh37 (hg19) VCF-style: chr2-203420421-A-G.
Other names: short protein forms K678R.
Identifiers: ClinVar variation 3585295 (VCV003585295.2).
Genomic context (GRCh38, chr2:202,555,698, plus strand): 5'-TGACAGAAGAAGACTTGGAAACCAACAAGCTAGACCCAAAAGAAGTTGATAAGAACCTCA[A>G]GGAAAGCTCTGATGAGAATCTCATGGAGCACTCTCTTAAACAGTTCAGTGGCCCAGACCC-3'
Protein context (NP_001195.2, residues 668-688): LDPKEVDKNL[Lys678Arg]ESSDENLMEH